The following is an entry in ClinVar:

NM_001005373.4(LRSAM1):c.2128C>T (p.Arg710Cys)

Gene: LRSAM1 (leucine rich repeat and sterile alpha motif containing 1; plus strand). Cytogenetic location: 9q34.11.
Variant type: single nucleotide variant.
Coding change: c.2128C>T on transcript NM_001005373.4 (MANE Select); coding-DNA position 2128, C replaced by T.
Protein change: p.Arg710Cys; replaces arginine 710 with cysteine.
Molecular consequence: missense variant. On other transcripts: non-coding transcript variant (2).
Genome position (GRCh38, 1-based): chr9:127,502,855, C>T. VCF-style: chr9-127502855-C-T. GRCh37 (hg19) VCF-style: chr9-130265134-C-T.
Other names: c.2128C>T, p.Arg710Cys (NM_001005374.4, NM_001384142.1, NM_138361.5); c.2047C>T, p.Arg683Cys (NM_001190723.3); c.2029C>T, p.Arg677Cys (NM_001384143.1); c.1339C>T, p.Arg447Cys (NM_001384144.1); c.2128C>T (NM_138361.4); short protein forms R447C, R677C, R683C, R710C.
Identifiers: ClinVar variation 1022570 (VCV001022570.9), dbSNP rs746213887, ClinGen allele CA5247267.

ClinVar aggregate classification (germline): Uncertain significance. Review status: criteria provided, multiple submitters, no conflicts (2 of 4 stars). 2 submissions from 2 submitters: Uncertain significance (2). Last evaluated 2025-11-03.

Conditions:
Inborn genetic diseases. Identifiers: MedGen C0950123, MeSH D030342.
Charcot-Marie-Tooth disease axonal type 2P. Also called: CHARCOT-MARIE-TOOTH NEUROPATHY, TYPE 2P; Charcot-Marie-Tooth Neuropathy Type 2G; CHARCOT-MARIE-TOOTH DISEASE, AXONAL, TYPE 2G; CMT 2G. Identifiers: Orphanet 300319, Orphanet 99941, MedGen C3280797, MONDO:0013753, OMIM 614436.

Allele frequency attached by ClinVar (database versions not stated): ExAC 0.00001; gnomAD exomes 0.00001; TOPMed 0.00001; gnomAD 0.00002.
gnomAD v4.1: 14 of 1,611,232 alleles (0.00087%); highest among the groups gnomAD compares: African/African-American, 0.0027%; no homozygotes.

Submissions (2):

Labcorp Genetics (formerly Invitae), Labcorp
Classification: Uncertain significance for Charcot-Marie-Tooth disease axonal type 2P. Last evaluated: 2025-11-03. Review status: criteria provided, single submitter. Criteria: Invitae Variant Classification Sherloc (09022015). Collection method: clinical testing. Allele origin: germline.
Comment: This sequence change replaces arginine, which is basic and polar, with cysteine, which is neutral and slightly polar, at codon 710 of the LRSAM1 protein (p.Arg710Cys). This variant is present in population databases (rs746213887, gnomAD 0.003%). This variant has not been reported in the literature in individuals affected with LRSAM1-related conditions. ClinVar contains an entry for this variant (Variation ID: 1022570). Invitae Evidence Modeling of protein sequence and biophysical properties (such as structural, functional, and spatial information, amino acid conservation, physicochemical variation, residue mobility, and thermodynamic stability) indicates that this missense variant is expected to disrupt LRSAM1 protein function with a positive predictive value of 80%. In summary, the available evidence is currently insufficient to determine the role of this variant in disease. Therefore, it has been classified as a Variant of Uncertain Significance.

Ambry Genetics
Classification: Uncertain significance for Inborn genetic diseases. Last evaluated: 2025-02-05. Review status: criteria provided, single submitter. Criteria: Ambry Variant Classification Scheme 2023. Collection method: clinical testing. Allele origin: germline.